The following is an entry in ClinVar:

NM_015627.3(LDLRAP1):c.849C>A (p.Tyr283Ter)

Gene: LDLRAP1 (low density lipoprotein receptor adaptor protein 1; plus strand). Cytogenetic location: 1p36.11.
Variant type: single nucleotide variant.
Coding change: c.849C>A on transcript NM_015627.3 (MANE Select); coding-DNA position 849, C replaced by A.
Protein change: p.Tyr283Ter; replaces tyrosine 283 with a stop codon.
Molecular consequence: nonsense.
Genome position (GRCh38, 1-based): chr1:25,566,914, C>A. VCF-style: chr1-25566914-C-A. GRCh37 (hg19) VCF-style: chr1-25893405-C-A.
Other names: short protein forms Y283*.
Identifiers: ClinVar variation 4614513 (VCV004614513.1).

ClinVar aggregate classification (germline): Uncertain significance (1 of 4 stars; one submission).

Conditions:
Cardiovascular phenotype. Identifiers: MedGen CN230736.

Submission:

Ambry Genetics
Classification: Uncertain significance for Cardiovascular phenotype. Last evaluated: 2025-11-19. Review status: criteria provided, single submitter. Criteria: Ambry Variant Classification Scheme 2023. Collection method: clinical testing. Allele origin: germline.
Comment: The p.Y283* variant (also known as c.849C>A), located in coding exon 9 of the LDLRAP1 gene, results from a C to A substitution at nucleotide position 849. This changes the amino acid from a tyrosine to a stop codon within coding exon 9. This alteration occurs at the 3' terminus of the gene, is not expected to trigger nonsense-mediated mRNAdecay, and impacts the last 8% of the protein. The exact functional effect of this alteration is unknown. Based on the available evidence, the clinical significance of this variant remains unclear.